The following is an entry in ClinVar:

ClinVar aggregate classification (germline): Uncertain significance (1 of 4 stars; one submission).

gnomAD v4.1: 129 of 1,612,622 alleles (0.008%); highest among the groups gnomAD compares: Non-Finnish European, 0.0093%; no homozygotes.

Submission:

Women's Health and Genetics/Laboratory Corporation of America, LabCorp
Classification: Uncertain significance. Last evaluated: 2025-10-28. Review status: criteria provided, single submitter. Criteria: LabCorp Variant Classification Summary - May 2015. Collection method: clinical testing. Allele origin: germline.
Comment: Variant summary: DIP2B c.2048+6G>A alters a nucleotide located close to a canonical splice site and therefore could affect mRNA splicing, leading to a significantly altered protein sequence. Consensus agreement among computation tools predict no significant impact on normal splicing. However, these predictions have yet to be confirmed by functional studies. The variant allele was found at a frequency of 4.4e-05 in 250346 control chromosomes. This frequency is not significantly higher than estimated for disease-causing variants in DIP2B, allowing no conclusion about variant significance. To our knowledge, no occurrence of c.2048+6G>A in individuals affected with DIP2B-related conditions and no experimental evidence demonstrating its impact on protein function have been reported. No submitters have cited clinical-significance assessments for this variant to ClinVar. Based on the evidence outlined above, the variant was classified as uncertain significance.

NM_173602.3(DIP2B):c.2048+6G>A

Gene: DIP2B (DIP2 acetate--CoA ligase B (putative); plus strand). Cytogenetic location: 12q13.12.
Variant type: single nucleotide variant.
Coding change: c.2048+6G>A on transcript NM_173602.3 (MANE Select); 6 bases into the intron after coding-DNA position 2048, G replaced by A.
Molecular consequence: intron variant.
Genome position (GRCh38, 1-based): chr12:50,697,181, G>A. VCF-style: chr12-50697181-G-A. GRCh37 (hg19) VCF-style: chr12-51090964-G-A.
Identifiers: ClinVar variation 4687702 (VCV004687702.1).